The following is an entry in ClinVar:

ClinVar aggregate classification (germline): Uncertain significance. Review status: criteria provided, multiple submitters, no conflicts (2 of 4 stars). 2 submissions from 2 submitters: Uncertain significance (2). Last evaluated 2025-07-31.

Submissions (2):

Dasa
Classification: Uncertain significance. Last evaluated: 2025-07-31. Review status: criteria provided, single submitter. Criteria: DASA Assertion Criteria. Collection method: clinical testing. Allele origin: germline.
Comment: NM_006946.4(SPTBN2):c.1169G>T (p.Arg390Leu) is a missense variant that results in the substitution of arginine with leucine. This variant has been observed in affected individuals with SPTBN2-related disorders. Also, this variant is absent from population databases. Computational prediction algorithms are consistent with a benign effect. The currently available literature and clinical evidence are not sufficient to establish a definitive association between this variant and the reported condition. Therefore, this variant is classified as a variant of uncertain significance.

Athena Diagnostics
Classification: Uncertain significance. Last evaluated: 2024-01-24. Review status: criteria provided, single submitter. Criteria: Athena Diagnostics Criteria. Collection method: clinical testing. Allele origin: unknown.
Comment: Available data are insufficient to determine the clinical significance of the variant at this time. This variant has not been reported in large, multi-ethnic general populations. Computational tools disagree on the variant's effect on normal protein function.

NM_006946.4(SPTBN2):c.1169G>T (p.Arg390Leu)

Gene: SPTBN2 (spectrin beta, non-erythrocytic 2; minus strand). Cytogenetic location: 11q13.2.
Variant type: single nucleotide variant.
Coding change: c.1169G>T on transcript NM_006946.4 (MANE Select); coding-DNA position 1169, G replaced by T.
Protein change: p.Arg390Leu; replaces arginine 390 with leucine.
Molecular consequence: missense variant.
Genome position (GRCh38, 1-based): chr11:66,708,924, C>A on the plus strand (G>T on the coding strand, the complement: SPTBN2 is on the minus strand). VCF-style: chr11-66708924-C-A. GRCh37 (hg19) VCF-style: chr11-66476395-C-A.
Other names: c.1190G>T, p.Arg397Leu (NM_001411025.1); short protein forms R390L, R397L.
Identifiers: ClinVar variation 3571787 (VCV003571787.3).